The following is an entry in ClinVar:

NM_020207.7(ERCC6L2):c.932T>C (p.Leu311Pro)

Gene: ERCC6L2 (ERCC excision repair 6 like 2; plus strand). Cytogenetic location: 9q22.32.
Variant type: single nucleotide variant.
Coding change: c.932T>C on transcript NM_020207.7 (MANE Select); coding-DNA position 932, T replaced by C.
Protein change: p.Leu311Pro; replaces leucine 311 with proline.
Molecular consequence: missense variant. On other transcripts: non-coding transcript variant (1).
Genome position (GRCh38, 1-based): chr9:95,915,811, T>C. VCF-style: chr9-95915811-T-C. GRCh37 (hg19) VCF-style: chr9-98678093-T-C.
Other names: c.932T>C, p.Leu311Pro (NM_001010895.4, NM_001375291.1, NM_001375292.1 and 2 more transcripts); short protein forms L311P.
Identifiers: ClinVar variation 1716546 (VCV001716546.6), dbSNP rs2490116601, ClinGen allele CA374122531.
Genomic context (GRCh38, chr9:95,915,811, plus strand): 5'-TGAAATGTAATGTCCGCATTGGCCTCACTGGAACCATCCTTCAGAACAACATGAAGGAAC[T>C]GTGGTGTGTTATGGACTGGTGAGAGAAAACACTTTTTAAAAAATTGTTTAATAGTTCTTC-3'
Protein context (NP_064592.3, residues 301-321): GTILQNNMKE[Leu311Pro]WCVMDWAVPG

ClinVar aggregate classification (germline): Uncertain significance. Review status: criteria provided, multiple submitters, no conflicts (2 of 4 stars). 2 submissions from 2 submitters: Uncertain significance (2). Last evaluated 2024-12-14.

Conditions:
Inborn genetic diseases. Identifiers: MedGen C0950123, MeSH D030342.

Submissions (2):

Ambry Genetics
Classification: Uncertain significance for Inborn genetic diseases. Last evaluated: 2024-12-14. Review status: criteria provided, single submitter. Criteria: Ambry Variant Classification Scheme 2023. Collection method: clinical testing. Allele origin: germline.
Comment: The p.L311P variant (also known as c.932T>C), located in coding exon 5 of the ERCC6L2 gene, results from a T to C substitution at nucleotide position 932. The leucine at codon 311 is replaced by proline, an amino acid with similar properties. This amino acid position is conserved. In addition, this alteration is predicted to be deleterious by in silico analysis. Based on the available evidence, the clinical significance of this variant remains unclear.

Labcorp Genetics (formerly Invitae), Labcorp
Classification: Uncertain significance. Last evaluated: 2022-08-16. Review status: criteria provided, single submitter. Criteria: Invitae Variant Classification Sherloc (09022015). Collection method: clinical testing. Allele origin: germline.
Comment: In summary, the available evidence is currently insufficient to determine the role of this variant in disease. Therefore, it has been classified as a Variant of Uncertain Significance. Algorithms developed to predict the effect of missense changes on protein structure and function are either unavailable or do not agree on the potential impact of this missense change (SIFT: "Deleterious"; PolyPhen-2: "Not Available"; Align-GVGD: "Class C0"). This variant has not been reported in the literature in individuals affected with ERCC6L2-related conditions. This variant is not present in population databases (gnomAD no frequency). This sequence change replaces leucine, which is neutral and non-polar, with proline, which is neutral and non-polar, at codon 322 of the ERCC6L2 protein (p.Leu322Pro).